The following is an entry in ClinVar:

NM_006059.4(LAMC3):c.1978C>T (p.Arg660Trp)

Gene: LAMC3 (laminin subunit gamma 3; plus strand). Cytogenetic location: 9q34.12.
Variant type: single nucleotide variant.
Coding change: c.1978C>T on transcript NM_006059.4 (MANE Select); coding-DNA position 1978, C replaced by T.
Protein change: p.Arg660Trp; replaces arginine 660 with tryptophan.
Molecular consequence: missense variant.
Genome position (GRCh38, 1-based): chr9:131,056,967, C>T. VCF-style: chr9-131056967-C-T. GRCh37 (hg19) VCF-style: chr9-133932354-C-T.
Other names: short protein forms R660W.
Identifiers: ClinVar variation 435743 (VCV000435743.12), dbSNP rs374264939, ClinGen allele CA200708575.

ClinVar aggregate classification (germline): Uncertain significance. Review status: criteria provided, multiple submitters, no conflicts (2 of 4 stars). 3 submissions from 3 submitters: Uncertain significance (3). Last evaluated 2025-12-15.

Conditions:
Inborn genetic diseases. Identifiers: MedGen C0950123, MeSH D030342.

Allele frequency attached by ClinVar (database versions not stated): gnomAD exomes below 0.00001; TOPMed 0.00001; gnomAD 0.00002 and 0.00003; ESP Exome Variant Server 0.00008.
gnomAD v4.1: 32 of 1,613,674 alleles (0.002%); highest among the groups gnomAD compares: Non-Finnish European, 0.0025%; no homozygotes.

Submissions (3):

Labcorp Genetics (formerly Invitae), Labcorp
Classification: Uncertain significance. Last evaluated: 2025-12-15. Review status: criteria provided, single submitter. Criteria: Invitae Variant Classification Sherloc (09022015). Collection method: clinical testing. Allele origin: germline.
Comment: This sequence change replaces arginine, which is basic and polar, with tryptophan, which is neutral and slightly polar, at codon 660 of the LAMC3 protein (p.Arg660Trp). This variant is present in population databases (rs374264939, gnomAD 0.003%). This variant has not been reported in the literature in individuals affected with LAMC3-related conditions. ClinVar contains an entry for this variant (Variation ID: 435743). An algorithm developed to predict the effect of missense changes on protein structure and function (PolyPhen-2) suggests that this variant is likely to be tolerated. In summary, the available evidence is currently insufficient to determine the role of this variant in disease. Therefore, it has been classified as a Variant of Uncertain Significance.

Ambry Genetics
Classification: Uncertain significance for Inborn genetic diseases. Last evaluated: 2021-07-23. Review status: criteria provided, single submitter. Criteria: Ambry Variant Classification Scheme 2023. Collection method: clinical testing. Allele origin: germline.

Genetic Services Laboratory, University of Chicago
Classification: Uncertain significance. Last evaluated: 2016-08-02. Review status: criteria provided, single submitter. Criteria: ACMG Guidelines, 2015. Collection method: clinical testing. Allele origin: germline. Affected: no.